The following is an entry in ClinVar:

ClinVar aggregate classification (germline): Likely pathogenic (1 of 4 stars; one submission).

Submission:

GeneDx
Classification: Likely pathogenic. Last evaluated: 2018-05-31. Review status: criteria provided, single submitter. Criteria: GeneDx Variant Classification (06012015). Collection method: clinical testing. Allele origin: germline. Affected: yes.
Comment: A variant that is likely pathogenic has been identified in the TGIF1 gene. The c.708dupT variant has not been reported previously as a pathogenic variant nor as a benign variant, to our knowledge. The c.708dupT variant causes a frameshift starting with codon Proline 237 changes this amino acid to a Serine residue, and creates a premature Stop codon at position 50 of the new reading frame, denoted p.Pro237SerfsX50. This variant is predicted to result in protein truncation, as the last 36 amino acids are lost and replaced with 49 incorrect amino acids. The c.708dupT variant is not observed in large population cohorts (Lek et al., 2016). Therefore, this variant is likely pathogenic; however, the possibility that it is benign cannot be excluded.

NM_003244.4(TGIF1):c.708dup (p.Pro237fs)

Gene: TGIF1 (TGFB induced factor homeobox 1; plus strand). Cytogenetic location: 18p11.31.
Variant type: Duplication.
Coding change: c.708dup on transcript NM_003244.4 (MANE Select); coding-DNA position 708, one base duplicated (T; older notation c.708dupT).
Protein change: p.Pro237fs; shifts the reading frame from proline 237.
Molecular consequence: frameshift variant.
Genome position (GRCh38, 1-based): chr18:3,457,829, T duplicated. VCF-style (leftmost placement, unchanged base first): chr18-3457828-C-CT. GRCh37 (hg19) VCF-style: chr18-3457826-C-CT.
Other names: c.717dup, p.Pro240fs (NM_001278682.2); c.708dup, p.Pro237fs (NM_001278684.2, NM_173208.3); c.648dup, p.Pro217fs (NM_001278686.3, NM_001374396.1, NM_001374397.1 and 5 more transcripts); c.750dup, p.Pro251fs (NM_173207.4); short protein forms P237fs, P240fs, P217fs, P251fs.
Identifiers: ClinVar variation 546555 (VCV000546555.2), dbSNP rs1555651112, ClinGen allele CA658825035.